The following is an entry in ClinVar:

ClinVar aggregate classification (germline): Uncertain significance (1 of 4 stars; one submission).

Conditions:
PSEN1-related disorder. Also called: PSEN1-related condition.

Allele frequency attached by ClinVar (database versions not stated): TOPMed 0.00002; ExAC 0.00007; 1000 Genomes Project 30x 0.00016; 1000 Genomes Project 0.00020.
gnomAD v4.1: 10 of 1,614,140 alleles (0.00062%); highest among the groups gnomAD compares: East Asian, 0.022%; no homozygotes.

Submission:

PreventionGenetics, part of Exact Sciences
Classification: Uncertain significance for PSEN1-related condition. Last evaluated: 2023-06-20. Review status: criteria provided, single submitter. Criteria: ACMG Guidelines, 2015. Collection method: clinical testing. Allele origin: germline.
Comment: The PSEN1 c.471G>T variant is predicted to result in the amino acid substitution p.Arg157Ser. This variant was reported in two individuals with Alzheimer's disease; however, additional functional or segregation studies were not completed to further assess the pathogenicity of this variant (Case 5 in Jiang et al. 2019. PubMed ID: 30598257; Lin et al. 2020. PubMed ID: 33188256). This variant is reported in 0.087% of alleles in individuals of East Asian descent in gnomAD. At this time, the clinical significance of this variant is uncertain due to the absence of conclusive functional and genetic evidence.

NM_000021.4(PSEN1):c.471G>T (p.Arg157Ser)

Gene: PSEN1 (presenilin 1; plus strand). Cytogenetic location: 14q24.2.
Variant type: single nucleotide variant.
Coding change: c.471G>T on transcript NM_000021.4 (MANE Select); coding-DNA position 471, G replaced by T.
Protein change: p.Arg157Ser; replaces arginine 157 with serine.
Molecular consequence: missense variant.
Genome position (GRCh38, 1-based): chr14:73,173,698, G>T. VCF-style: chr14-73173698-G-T. GRCh37 (hg19) VCF-style: chr14-73640406-G-T.
Other names: c.459G>T, p.Arg153Ser (NM_007318.3); short protein forms R153S, R157S.
Identifiers: ClinVar variation 2636720 (VCV002636720.1), dbSNP rs201617677, ClinGen allele CA7256737.
Genomic context (GRCh38, chr14:73,173,698, plus strand): 5'-CATCATGATCAGTGTCATTGTTGTCATGACTATCCTCCTGGTGGTTCTGTATAAATACAG[G>T]TGCTATAAGGTGAGCATGAGACACAGATCTTTGCTTTCCACCCTGTTCTTCTTATGGTTG-3'
Protein context (NP_000012.1, residues 147-167): TILLVVLYKY[Arg157Ser]CYKVIHAWLI